The following is an entry in ClinVar:

ClinVar aggregate classification (germline): Pathogenic/Likely pathogenic. Review status: criteria provided, multiple submitters, no conflicts (2 of 4 stars). 9 submissions from 9 submitters: Pathogenic (5); Likely pathogenic (2). 2 of the submissions do not count toward it. Last evaluated 2024-09-30.

Conditions:
Werner syndrome (WRN). Identifiers: Orphanet 902, MedGen C0043119, MONDO:0010196, OMIM 277700.

Submissions (9):

Labcorp Genetics (formerly Invitae), Labcorp
Classification: Pathogenic for Werner syndrome. Last evaluated: 2024-09-30. Review status: criteria provided, single submitter. Criteria: Invitae Variant Classification Sherloc (09022015). Collection method: clinical testing. Allele origin: germline.
Comment: This sequence change creates a premature translational stop signal (p.Arg389Glufs*4) in the WRN gene. It is expected to result in an absent or disrupted protein product. Loss-of-function variants in WRN are known to be pathogenic (PMID: 16673358). This variant is present in population databases (rs558267186, gnomAD 0.02%). This premature translational stop signal has been observed in individual(s) with Werner syndrome (PMID: 16786514). ClinVar contains an entry for this variant (Variation ID: 238117). For these reasons, this variant has been classified as Pathogenic.

3billion
Classification: Pathogenic for Werner syndrome. Last evaluated: 2024-09-28. Review status: criteria provided, single submitter. Criteria: ACMG Guidelines, 2015. Collection method: clinical testing. Allele origin: germline. Affected: yes.
Comment: The variant is observed at an extremely low frequency in the gnomAD v4.1.0 dataset (total allele frequency: 0.005%). Predicted Consequence/Location: Frameshift: predicted to result in a loss or disruption of normal protein function through nonsense-mediated decay (NMD) or protein truncation. Multiple pathogenic variants are reported downstream of the variant. The variant has been reported at least twice as pathogenic with clinical assertions and evidence for the classification (ClinVar ID: VCV000238117 /PMID: 8968742). Therefore, this variant is classified as Pathogenic according to the recommendation of ACMG/AMP guideline.

Fulgent Genetics
Classification: Pathogenic for Werner syndrome. Last evaluated: 2024-03-30. Review status: criteria provided, single submitter. Criteria: ACMG Guidelines, 2015. Collection method: clinical testing. Allele origin: germline.

GeneDx
Classification: Pathogenic. Last evaluated: 2022-12-08. Review status: criteria provided, single submitter. Criteria: GeneDx Variant Classification Process June 2021. Collection method: clinical testing. Allele origin: germline. Affected: yes.
Comment: Frameshift variant predicted to result in protein truncation or nonsense mediated decay in a gene for which loss of function is a known mechanism of disease; Observed with a second disease-causing variant in the WRN gene in patients with Werner syndrome in published literature (Oshima et al., 1996; Uhrhammer et al., 2006; Huang et al., 2006); This variant is associated with the following publications: (PMID: 9450180, 8968742, 34164337, 29641532, 9012406, 16786514, 16673358)

Revvity Omics, Revvity
Classification: Pathogenic for Werner syndrome. Last evaluated: 2022-06-17. Review status: criteria provided, single submitter. Criteria: ACMG Guidelines, 2015. Collection method: clinical testing. Allele origin: germline.

Illumina Laboratory Services, Illumina
Classification: Likely pathogenic for Werner syndrome. Last evaluated: 2018-04-23. Review status: criteria provided, single submitter. Criteria: ICSL Variant Classification Criteria 09 May 2019. Collection method: clinical testing. Allele origin: germline.
Comment: The WRN c.1165delA (p.Arg389GlufsTer4) variant results in a frameshift and is predicted to result in premature termination of the protein. The p.Arg389GlufsTer4 variant has been reported in at least one study in which it is identified in three unrelated individuals diagnosed with Werner syndrome, including two who carry the variant in a homozygous state and one who carries the variant in a compound heterozygous state (Uhrhammer et al. 2006). Control data are unavailable for this variant, which is reported at a frequency of 0.000195 in the South Asian population of the Genome Aggregation Database. Based on the clinical evidence and potential impact of frameshift variants, the p.Arg389GlufsTer4 variant is classified as likely pathogenic for Werner syndrome. This variant was observed by ICSL as part of a predisposition screen in an ostensibly healthy population.

CeGaT Center for Human Genetics Tuebingen
Classification: Likely pathogenic. Last evaluated: 2016-11-01. Review status: criteria provided, single submitter. Criteria: CeGaT Center For Human Genetics Tuebingen Variant Classification Criteria Version 2. Collection method: clinical testing. Allele origin: germline. Affected: yes. Observed: 2 variant alleles.

Molecular Genetics Laboratory, BC Children's and BC Women's Hospitals
Classification: Pathogenic for Werner syndrome. Last evaluated: 2015-08-12. Review status: no assertion criteria provided. Criteria: ACMG Guidelines, 2015. Collection method: clinical testing. Allele origin: germline. Affected: yes. Not counted in ClinVar's aggregate classification.

OMIM
Classification: Pathogenic for WERNER SYNDROME. Last evaluated: 1997-11-01. Review status: no assertion criteria provided. Collection method: literature only. Allele origin: germline. Not counted in ClinVar's aggregate classification.

Literature cited by the submitters: PubMed 16673358 (cited by Labcorp Genetics (formerly Invitae), Labcorp); PubMed 16786514 (cited by Labcorp Genetics (formerly Invitae), Labcorp and Illumina Laboratory Services, Illumina); PubMed 8968742 (cited by 3billion); PubMed 9450180 (cited by OMIM).

NM_000553.6(WRN):c.1165del (p.Arg389fs)

Gene: WRN (WRN RecQ like helicase; plus strand). Cytogenetic location: 8p12.
Variant type: Deletion.
Coding change: c.1165del on transcript NM_000553.6 (MANE Select); coding-DNA position 1165, one base deleted (A; older notation c.1165delA).
Protein change: p.Arg389fs; shifts the reading frame from arginine 389.
Molecular consequence: frameshift variant.
Genome position (GRCh38, 1-based): chr8:31,081,192, A deleted; the last of 3 consecutive A bases (chr8:31,081,190-31,081,192); deleting any one gives the same sequence. VCF-style (leftmost placement, unchanged base first): chr8-31081189-GA-G. GRCh37 (hg19) VCF-style: chr8-30938705-GA-G.
Other names: c.1165del (NM_000553.4); short protein forms R389fs.
Identifiers: ClinVar variation 238117 (VCV000238117.60), dbSNP rs878854131, ClinGen allele CA4704259.
Genomic context (GRCh38, chr8:31,081,189, plus strand): 5'-GAACGAAAAGAAGATGGATTTGAAGATGGAGTAGAAGACAACAAATTGAAAGAGAATATG[GA>G]AAGAGCTTGTTTGATGTCGTTAGATATTACAGAACATGAACTCCAAATTTTGGAACAGCA-3'